The following is an entry in ClinVar:

ClinVar aggregate classification (germline): Uncertain significance (1 of 4 stars; one submission).

Conditions:
Inborn genetic diseases. Identifiers: MedGen C0950123, MeSH D030342.

Submission:

Ambry Genetics
Classification: Uncertain significance for Inborn genetic diseases. Last evaluated: 2026-03-23. Review status: criteria provided, single submitter. Criteria: Ambry Variant Classification Scheme 2023. Collection method: clinical testing. Allele origin: germline.
Comment: The p.E17D variant (also known as c.51G>C), located in coding exon 1 of the SAMD9L gene, results from a G to C substitution at nucleotide position 51. The glutamic acid at codon 17 is replaced by aspartic acid, an amino acid with highly similar properties. This amino acid position is conserved. In addition, this alteration is predicted to be tolerated by in silico analysis. Based on the available evidence, the clinical significance of this variant remains unclear.

NM_152703.5(SAMD9L):c.51G>C (p.Glu17Asp)

Gene: SAMD9L (sterile alpha motif domain containing 9 like; minus strand). Cytogenetic location: 7q21.2.
Variant type: single nucleotide variant.
Coding change: c.51G>C on transcript NM_152703.5 (MANE Select); coding-DNA position 51, G replaced by C.
Protein change: p.Glu17Asp; replaces glutamic acid 17 with aspartic acid.
Molecular consequence: missense variant.
Genome position (GRCh38, 1-based): chr7:93,135,921, C>G on the plus strand (G>C on the coding strand, the complement: SAMD9L is on the minus strand). VCF-style: chr7-93135921-C-G. GRCh37 (hg19) VCF-style: chr7-92765234-C-G.
Other names: c.51G>C, p.Glu17Asp (NM_001303496.3, NM_001303497.3, NM_001303498.3 and 5 more transcripts); short protein forms E17D.
Identifiers: ClinVar variation 4863911 (VCV004863911.1).